The following is an entry in ClinVar:

ClinVar aggregate classification (germline): Likely benign (1 of 4 stars; one submission).

Conditions:
Congenital microvillous atrophy (DIAR2). Also called: DAVIDSON DISEASE; MICROVILLUS ATROPHY, CONGENITAL; Microvillus inclusion disease; Diarrhea 2 with microvillus atrophy, with or without cholestasis; CONGENITAL FAMILIAL PROTRACTED DIARRHEA WITH ENTEROCYTE BRUSH-BORDER ABNORMALITIES. Identifiers: Orphanet 2290, MedGen C0341306, MONDO:0009635, OMIM 251850.

Allele frequency attached by ClinVar (database versions not stated): gnomAD 0.00061 and 0.00051; TOPMed 0.00076; 1000 Genomes Project 30x 0.00156; 1000 Genomes Project 0.00200.

Submission:

Illumina Laboratory Services, Illumina
Classification: Likely benign for Congenital microvillous atrophy. Last evaluated: 2018-01-13. Review status: criteria provided, single submitter. Criteria: ICSL Variant Classification Criteria 13 December 2019. Collection method: clinical testing. Allele origin: germline.
Comment: This variant was observed in the ICSL laboratory as part of a predisposition screen in an ostensibly healthy population. It had not been previously curated by ICSL or reported in the Human Gene Mutation Database (HGMD: prior to June 1st, 2018), and was therefore a candidate for classification through an automated scoring system. Utilizing variant allele frequency, disease prevalence and penetrance estimates, and inheritance mode, an automated score was calculated to assess if this variant is too frequent to cause the disease. Based on the score and internal cut-off values, a variant classified as likely benign is not then subjected to further curation. The score for this variant resulted in a classification of likely benign for this disease.

NM_001080467.3(MYO5B):c.*1728A>T

Genes: MYO5B (myosin VB; minus strand), SNHG22 (small nucleolar RNA host gene 22; plus strand). Cytogenetic location: 18q21.1.
Variant type: single nucleotide variant.
Coding change: c.*1728A>T on transcript NM_001080467.3 (MANE Select); 1728 bases downstream of the stop codon, A replaced by T.
Molecular consequence: 3 prime UTR variant.
Genome position (GRCh38, 1-based): chr18:49,824,743, T>A on the plus strand (A>T on the coding strand, the complement: MYO5B is on the minus strand). VCF-style: chr18-49824743-T-A. GRCh37 (hg19) VCF-style: chr18-47351113-T-A.
Identifiers: ClinVar variation 326963 (VCV000326963.5), dbSNP rs138593222, ClinGen allele CA10650900.